The following is an entry in ClinVar:

NM_001267550.2(TTN):c.4032T>A (p.Asp1344Glu)

Genes: TTN (titin; minus strand), LOC101927055 (uncharacterized LOC101927055; plus strand). Cytogenetic location: 2q31.2.
Variant type: single nucleotide variant.
Coding change: c.4032T>A on transcript NM_001267550.2 (MANE Select); coding-DNA position 4032, T replaced by A.
Protein change: p.Asp1344Glu; replaces aspartic acid 1344 with glutamic acid.
Molecular consequence: missense variant.
Genome position (GRCh38, 1-based): chr2:178,779,050, A>T on the plus strand (T>A on the coding strand, the complement: TTN is on the minus strand). VCF-style: chr2-178779050-A-T. GRCh37 (hg19) VCF-style: chr2-179643777-A-T.
Other names: c.4032T>A, p.Asp1344Glu (NM_001256850.1, NM_133378.4, NM_133379.5); c.3894T>A, p.Asp1298Glu (NM_003319.4, NM_133432.3, NM_133437.4); short protein forms D1298E, D1344E.
Identifiers: ClinVar variation 3368432 (VCV003368432.1).
Genomic context (GRCh38, chr2:178,779,050, plus strand): 5'-TGCAGTGTAGATTCCTTCATCTTCTGGAAGAACAACAGGTATACGCAGACTAGCTCTGCC[A>T]TCTTGTAGAAAGTCCATTTGGTATCTTTCTCCATGTTTGATGCGCTTGCCATCTTTGTAC-3'
Protein context (NP_001254479.2, residues 1334-1354): GERYQMDFLQ[Asp1344Glu]GRASLRIPVV

ClinVar aggregate classification (germline): Uncertain significance (1 of 4 stars; one submission).

gnomAD v4.1: 5 of 1,613,938 alleles (0.00031%); highest among the groups gnomAD compares: Non-Finnish European, 0.00042%; no homozygotes.

Submission:

GeneDx
Classification: Uncertain significance. Last evaluated: 2024-01-26. Review status: criteria provided, single submitter. Criteria: GeneDx Variant Classification Process June 2021. Collection method: clinical testing. Allele origin: germline. Affected: yes.
Comment: Not observed at significant frequency in large population cohorts (gnomAD); Missense variant in a gene in which most reported pathogenic variants are truncating/loss of function; Has not been previously published as pathogenic or benign to our knowledge